The following is an entry in ClinVar:

ClinVar aggregate classification (germline): Likely benign. Review status: criteria provided, multiple submitters, no conflicts (2 of 4 stars). 3 submissions from 3 submitters: Likely benign (2). 1 of the submissions does not count toward it. Last evaluated 2023-10-01.

Conditions:
CHL1-related disorder. Also called: CHL1-related condition.

Allele frequency attached by ClinVar (database versions not stated): gnomAD 0.00061 and 0.00063; TOPMed 0.00092; 1000 Genomes Project 30x 0.00031; ExAC 0.00035; gnomAD exomes 0.00038 and 0.00059; 1000 Genomes Project 0.00040; ESP Exome Variant Server 0.00054.
gnomAD v4.1: 954 of 1,613,612 alleles (0.059%); highest among the groups gnomAD compares: Admixed American, 0.12%; 1 homozygote.

Submissions (3):

CeGaT Center for Human Genetics Tuebingen
Classification: Likely benign. Last evaluated: 2023-10-01. Review status: criteria provided, single submitter. Criteria: CeGaT Center For Human Genetics Tuebingen Variant Classification Criteria Version 2. Collection method: clinical testing. Allele origin: germline. Affected: yes. Observed: 1 variant allele.
Comment: CHL1: BP4, BP7

Labcorp Genetics (formerly Invitae), Labcorp
Classification: Likely benign. Last evaluated: 2018-12-19. Review status: criteria provided, single submitter. Criteria: Invitae Variant Classification Sherloc (09022015). Collection method: clinical testing. Allele origin: germline.

PreventionGenetics, part of Exact Sciences
Classification: Likely benign for CHL1-related condition. Last evaluated: 2019-02-20. Review status: no assertion criteria provided. Collection method: clinical testing. Allele origin: germline. Not counted in ClinVar's aggregate classification.
Comment: This variant is classified as likely benign based on ACMG/AMP sequence variant interpretation guidelines (Richards et al. 2015 PMID: 25741868, with internal and published modifications).

NM_006614.4(CHL1):c.1350T>C (p.Ala450=)

Gene: CHL1 (cell adhesion molecule L1 like; plus strand). Cytogenetic location: 3p26.3.
Variant type: single nucleotide variant.
Coding change: c.1350T>C on transcript NM_006614.4 (MANE Select); coding-DNA position 1350, T replaced by C.
Protein change: p.Ala450=; no amino-acid change (alanine 450 retained).
Molecular consequence: synonymous variant.
Genome position (GRCh38, 1-based): chr3:361,742, T>C. VCF-style: chr3-361742-T-C. GRCh37 (hg19) VCF-style: chr3-403425-T-C.
Other names: c.1302T>C, p.Ala434= (NM_001253387.2); c.1350T>C, p.Ala450= (NM_001253388.1).
Identifiers: ClinVar variation 731515 (VCV000731515.28), dbSNP rs148288092, ClinGen allele CA2224702.
Genomic context (GRCh38, chr3:361,742, plus strand): 5'-ATGTTATTTTCAAATAGATGTCCGTCCATTGATACAAACCAAAGATGGAGAAAATTACGC[T>C]ACAGTGGTTGGGTACAGTGCTTTCTTACATTGCGAGTTCTTTGCTTCACCTGAGGCAGTC-3'
Protein context (NP_006605.2, residues 440-460): LIQTKDGENY[Ala450=]TVVGYSAFLH